The following is an entry in ClinVar:

NM_207352.4(CYP4V2):c.1217G>A (p.Cys406Tyr)

Gene: CYP4V2 (cytochrome P450 family 4 subfamily V member 2; plus strand). Cytogenetic location: 4q35.2.
Variant type: single nucleotide variant.
Coding change: c.1217G>A on transcript NM_207352.4 (MANE Select); coding-DNA position 1217, G replaced by A.
Protein change: p.Cys406Tyr; replaces cysteine 406 with tyrosine.
Molecular consequence: missense variant.
Genome position (GRCh38, 1-based): chr4:186,208,991, G>A. VCF-style: chr4-186208991-G-A. GRCh37 (hg19) VCF-style: chr4-187130145-G-A.
Other names: short protein forms C406Y.
Identifiers: ClinVar variation 2119167 (VCV002119167.4), dbSNP rs201644385, ClinGen allele CA112134823.

ClinVar aggregate classification (germline): Uncertain significance (1 of 4 stars; one submission).

Allele frequency attached by ClinVar (database versions not stated): 1000 Genomes Project 30x 0.00016; 1000 Genomes Project 0.00020; gnomAD 0.00001.
gnomAD v4.1: 3 of 1,614,186 alleles (0.00019%); highest among the groups gnomAD compares: African/African-American, 0.0027%; no homozygotes.

Submission:

Labcorp Genetics (formerly Invitae), Labcorp
Classification: Uncertain significance. Last evaluated: 2025-05-05. Review status: criteria provided, single submitter. Criteria: Invitae Variant Classification Sherloc (09022015). Collection method: clinical testing. Allele origin: germline.
Comment: This sequence change replaces cysteine, which is neutral and slightly polar, with tyrosine, which is neutral and polar, at codon 406 of the CYP4V2 protein (p.Cys406Tyr). This variant is present in population databases (rs201644385, gnomAD no frequency). This variant has not been reported in the literature in individuals affected with CYP4V2-related conditions. ClinVar contains an entry for this variant (Variation ID: 2119167). Invitae Evidence Modeling of protein sequence and biophysical properties (such as structural, functional, and spatial information, amino acid conservation, physicochemical variation, residue mobility, and thermodynamic stability) has been performed for this missense variant. However, the output from this modeling did not meet the statistical confidence thresholds required to predict the impact of this variant on CYP4V2 protein function. In summary, the available evidence is currently insufficient to determine the role of this variant in disease. Therefore, it has been classified as a Variant of Uncertain Significance.